The following is an entry in ClinVar:

ClinVar aggregate classification (germline): Uncertain significance. Review status: criteria provided, single submitter (1 of 4 stars). 2 submissions from 2 submitters: Uncertain significance (1). 1 of the submissions does not count toward it. Last evaluated 2024-10-09.

Conditions:
PLEC-related disorder. Also called: PLEC-related condition; PLEC-related disorders.
Epidermolysis bullosa simplex 5B, with muscular dystrophy (EBS5B). Also called: EPIDERMOLYSIS BULLOSA SIMPLEX AND LIMB-GIRDLE MUSCULAR DYSTROPHY; Epidermolysis bullosa simplex with muscular dystrophy. Identifiers: Orphanet 257, MedGen C2931072, MONDO:0009181, OMIM 226670.
Epidermolysis bullosa simplex with nail dystrophy (EBS5D). Identifiers: MedGen C4225309, MONDO:0014661, OMIM 616487.
Epidermolysis bullosa simplex, Ogna type (EBS5A). Also called: Pidermolysis bullosa simplex 5A, Ogna type; EPIDERMOLYSIS BULLOSA SIMPLEX 5A, OGNA TYPE. Identifiers: Orphanet 79401, MedGen C0432317, MONDO:0007555, OMIM 131950.
Autosomal recessive limb-girdle muscular dystrophy type 2Q (LGMDR17). Also called: MUSCULAR DYSTROPHY, LIMB-GIRDLE, AUTOSOMAL RECESSIVE 17. Identifiers: Orphanet 254361, MedGen C3150989, MONDO:0013390, OMIM 613723.
Epidermolysis bullosa simplex 5C, with pyloric atresia (EBS5C). Also called: PLEC-Related Epidermolysis Bullosa with Pyloric Atresia; Epidermolysis bullosa simplex with pyloric atresia; PLEC1-Related Epidermolysis Bullosa with Pyloric Atresia. Identifiers: Orphanet 158684, MedGen C2677349, MONDO:0012807, OMIM 612138.

Submissions (2):

Labcorp Genetics (formerly Invitae), Labcorp
Classification: Uncertain significance for Autosomal recessive limb-girdle muscular dystrophy type 2Q; Epidermolysis bullosa simplex, Ogna type; Epidermolysis bullosa simplex with nail dystrophy; Epidermolysis bullosa simplex 5C, with pyloric atresia; Epidermolysis bullosa simplex 5B, with muscular dystrophy. Last evaluated: 2024-10-09. Review status: criteria provided, single submitter. Criteria: Invitae Variant Classification Sherloc (09022015). Collection method: clinical testing. Allele origin: germline.
Comment: This sequence change replaces serine, which is neutral and polar, with asparagine, which is neutral and polar, at codon 3960 of the PLEC protein (p.Ser3960Asn). This variant is not present in population databases (gnomAD no frequency). This variant has not been reported in the literature in individuals affected with PLEC-related conditions. Invitae Evidence Modeling of protein sequence and biophysical properties (such as structural, functional, and spatial information, amino acid conservation, physicochemical variation, residue mobility, and thermodynamic stability) indicates that this missense variant is not expected to disrupt PLEC protein function with a negative predictive value of 80%. In summary, the available evidence is currently insufficient to determine the role of this variant in disease. Therefore, it has been classified as a Variant of Uncertain Significance.

PreventionGenetics, part of Exact Sciences
Classification: Uncertain significance for PLEC-related condition. Last evaluated: 2024-08-31. Review status: no assertion criteria provided. Collection method: clinical testing. Allele origin: germline. Not counted in ClinVar's aggregate classification.
Comment: The PLEC c.11879G>A variant is predicted to result in the amino acid substitution p.Ser3960Asn. To our knowledge, this variant has not been reported in the literature or in a large population database, indicating this variant is rare. At this time, the clinical significance of this variant is uncertain due to the absence of conclusive functional and genetic evidence.

NM_201384.3(PLEC):c.11798G>A (p.Ser3933Asn)

Gene: PLEC (plectin; minus strand). Cytogenetic location: 8q24.3.
Variant type: single nucleotide variant.
Coding change: c.11798G>A on transcript NM_201384.3 (MANE Select); coding-DNA position 11798, G replaced by A.
Protein change: p.Ser3933Asn; replaces serine 3933 with asparagine.
Molecular consequence: missense variant.
Genome position (GRCh38, 1-based): chr8:143,918,023, C>T on the plus strand (G>A on the coding strand, the complement: PLEC is on the minus strand). VCF-style: chr8-143918023-C-T. GRCh37 (hg19) VCF-style: chr8-144992191-C-T.
Other names: c.11879G>A, p.Ser3960Asn (NM_000445.5); c.8498G>A, p.Ser2833Asn (NM_001410941.1); c.11756G>A, p.Ser3919Asn (NM_201378.4); c.11732G>A, p.Ser3911Asn (NM_201379.3); c.12209G>A, p.Ser4070Asn (NM_201380.4); c.11702G>A, p.Ser3901Asn (NM_201381.3); c.11798G>A, p.Ser3933Asn (NM_201382.4); c.11810G>A, p.Ser3937Asn (NM_201383.3); short protein forms S2833N, S3901N, S3911N, S3919N, S3933N, S3937N, S3960N, S4070N.
Identifiers: ClinVar variation 3344664 (VCV003344664.3).